The following is an entry in ClinVar:

ClinVar aggregate classification (germline): Likely pathogenic (1 of 4 stars; one submission).

Conditions:
Pyridoxine-dependent epilepsy (EPEO4). Also called: PYRIDOXINE DEPENDENCY WITH SEIZURES; Pyridoxine-Dependent Seizures; Pyridoxine-Dependent Epilepsy - ALDH7A1; EPILEPSY, EARLY-ONSET, 4, VITAMIN B6-DEPENDENT. Identifiers: Orphanet 3006, MedGen C1849508, MONDO:0009945, OMIM 266100. Disease mechanism: loss of function.

Submission:

Labcorp Genetics (formerly Invitae), Labcorp
Classification: Likely pathogenic for Pyridoxine-dependent epilepsy. Last evaluated: 2024-06-24. Review status: criteria provided, single submitter. Criteria: Invitae Variant Classification Sherloc (09022015). Collection method: clinical testing. Allele origin: germline.
Comment: This sequence change replaces glycine, which is neutral and non-polar, with serine, which is neutral and polar, at codon 479 of the ALDH7A1 protein (p.Gly479Ser). This variant is not present in population databases (gnomAD no frequency). This missense change has been observed in individual(s) with clinical features of pyridoxine-dependent epilepsy (Invitae). ClinVar contains an entry for this variant (Variation ID: 2019345). Advanced modeling of protein sequence and biophysical properties (such as structural, functional, and spatial information, amino acid conservation, physicochemical variation, residue mobility, and thermodynamic stability) performed at Invitae indicates that this missense variant is expected to disrupt ALDH7A1 protein function with a positive predictive value of 95%. In summary, the currently available evidence indicates that the variant is pathogenic, but additional data are needed to prove that conclusively. Therefore, this variant has been classified as Likely Pathogenic.

NM_001182.5(ALDH7A1):c.1435G>A (p.Gly479Ser)

Gene: ALDH7A1 (aldehyde dehydrogenase 7 family member A1; minus strand). Cytogenetic location: 5q23.2.
Variant type: single nucleotide variant.
Coding change: c.1435G>A on transcript NM_001182.5 (MANE Select); coding-DNA position 1435, G replaced by A.
Protein change: p.Gly479Ser; replaces glycine 479 with serine.
Molecular consequence: missense variant.
Genome position (GRCh38, 1-based): chr5:126,549,983, C>T on the plus strand (G>A on the coding strand, the complement: ALDH7A1 is on the minus strand). VCF-style: chr5-126549983-C-T. GRCh37 (hg19) VCF-style: chr5-125885675-C-T.
Other names: c.1351G>A, p.Gly451Ser (NM_001201377.2); c.1243G>A, p.Gly415Ser (NM_001202404.2); short protein forms G415S, G479S, G451S.
Identifiers: ClinVar variation 2019345 (VCV002019345.4), dbSNP rs2480251886, ClinGen allele CA360721124.